The following is an entry in ClinVar:

ClinVar aggregate classification (germline): Benign (0 of 4 stars; one submission).

Conditions:
EPPK1-related disorder. Also called: EPPK1-related condition.

Allele frequency attached by ClinVar (database versions not stated): ExAC 0.00186; ESP Exome Variant Server 0.00597; gnomAD 0.00631; TOPMed 0.00728; 1000 Genomes Project 0.00779; 1000 Genomes Project 30x 0.00859.
gnomAD v4.1: 1,977 of 1,613,072 alleles (0.12%); highest among the groups gnomAD compares: African/African-American, 2.4%; 29 homozygotes.

Submission:

PreventionGenetics, part of Exact Sciences
Classification: Benign for EPPK1-related condition. Last evaluated: 2021-04-20. Review status: no assertion criteria provided. Collection method: clinical testing. Allele origin: germline.
Comment: This variant is classified as benign based on ACMG/AMP sequence variant interpretation guidelines (Richards et al. 2015 PMID: 25741868, with internal and published modifications).

NM_031308.4(EPPK1):c.6481T>C (p.Leu2161=)

Gene: EPPK1 (epiplakin 1; minus strand). Cytogenetic location: 8q24.3.
Variant type: single nucleotide variant.
Coding change: c.6481T>C on transcript NM_031308.4 (MANE Select); coding-DNA position 6481, T replaced by C.
Protein change: p.Leu2161=; no amino-acid change (leucine 2161 retained).
Molecular consequence: synonymous variant.
Genome position (GRCh38, 1-based): chr8:143,866,773, A>G on the plus strand (T>C on the coding strand, the complement: EPPK1 is on the minus strand). VCF-style: chr8-143866773-A-G. GRCh37 (hg19) VCF-style: chr8-144940941-A-G.
Identifiers: ClinVar variation 3035594 (VCV003035594.2), dbSNP rs115688173, ClinGen allele CA4921732.